The following is an entry in ClinVar:

NM_031466.8(TRAPPC9):c.-234dup

Gene: TRAPPC9 (trafficking protein particle complex subunit 9; minus strand). Cytogenetic location: 8q24.3.
Variant type: Duplication.
Coding change: c.-234dup on transcript NM_031466.8; 234 bases upstream of the start codon, one base duplicated (G; older notation c.-234dupG).
Molecular consequence: 5 prime UTR variant.
Genome position (GRCh38, 1-based): chr8:140,458,504, C duplicated on the plus strand (G on the coding strand, the reverse complement: TRAPPC9 is on the minus strand); the first of 4 consecutive C bases (chr8:140,458,504-140,458,507); duplicating any one gives the same sequence. VCF-style (leftmost placement, unchanged base first): chr8-140458503-G-GC. GRCh37 (hg19) VCF-style: chr8-141468602-G-GC.
Identifiers: ClinVar variation 4716253 (VCV004716253.1).

ClinVar aggregate classification (germline): Pathogenic (1 of 4 stars; one submission).

Submission:

Labcorp Genetics (formerly Invitae), Labcorp
Classification: Pathogenic. Last evaluated: 2025-09-27. Review status: criteria provided, single submitter. Criteria: Invitae Variant Classification Sherloc (09022015). Collection method: clinical testing. Allele origin: germline.
Comment: This sequence change creates a premature translational stop signal (p.Ala21Glyfs*40) in the TRAPPC9 gene. It is expected to result in an absent or disrupted protein product. Loss-of-function variants in TRAPPC9 are known to be pathogenic (PMID: 2000476, 20004763, 20004764). This variant is not present in population databases (gnomAD no frequency). This variant has not been reported in the literature in individuals affected with TRAPPC9-related conditions. For these reasons, this variant has been classified as Pathogenic.

Literature cited by the submitters: PubMed 2000476; PubMed 20004763; PubMed 20004764.